The following is an entry in ClinVar:

NM_003052.5(SLC34A1):c.746G>A (p.Arg249Gln)

Gene: SLC34A1 (solute carrier family 34 member 1; plus strand). Cytogenetic location: 5q35.3.
Variant type: single nucleotide variant.
Coding change: c.746G>A on transcript NM_003052.5 (MANE Select); coding-DNA position 746, G replaced by A.
Protein change: p.Arg249Gln; replaces arginine 249 with glutamine.
Molecular consequence: missense variant.
Genome position (GRCh38, 1-based): chr5:177,388,095, G>A. VCF-style: chr5-177388095-G-A. GRCh37 (hg19) VCF-style: chr5-176815096-G-A.
Other names: c.746G>A, p.Arg249Gln (NM_001167579.2); short protein forms R249Q.
Identifiers: ClinVar variation 1922506 (VCV001922506.3), dbSNP rs753995754, ClinGen allele CA3580510.
Genomic context (GRCh38, chr5:177,388,095, plus strand): 5'-TGTCAGTGCTGGTCCTGCTGCCCCTGGAGGCTGCCACTGGCTACCTGCACCACATCACTC[G>A]ACTTGTGGTGGCCTCCTTCAACATCCATGGTGGCCGTGATGCTCCTGACCTGCTCAAGAT-3'
Protein context (NP_003043.3, residues 239-259): AATGYLHHIT[Arg249Gln]LVVASFNIHG

ClinVar aggregate classification (germline): Uncertain significance (1 of 4 stars; one submission).

Allele frequency attached by ClinVar (database versions not stated): ExAC 0.00001; gnomAD 0.00001; gnomAD exomes 0.00003; TOPMed 0.00003.
gnomAD v4.1: 42 of 1,613,988 alleles (0.0026%); highest among the groups gnomAD compares: South Asian, 0.012%; no homozygotes.

Submission:

Labcorp Genetics (formerly Invitae), Labcorp
Classification: Uncertain significance. Last evaluated: 2022-01-13. Review status: criteria provided, single submitter. Criteria: Invitae Variant Classification Sherloc (09022015). Collection method: clinical testing. Allele origin: germline.
Comment: In summary, the available evidence is currently insufficient to determine the role of this variant in disease. Therefore, it has been classified as a Variant of Uncertain Significance. Algorithms developed to predict the effect of missense changes on protein structure and function output the following: SIFT: "Tolerated"; PolyPhen-2: "Benign"; Align-GVGD: "Class C0". The glutamine amino acid residue is found in multiple mammalian species, which suggests that this missense change does not adversely affect protein function. This variant has not been reported in the literature in individuals affected with SLC34A1-related conditions. This variant is present in population databases (rs753995754, gnomAD 0.01%). This sequence change replaces arginine, which is basic and polar, with glutamine, which is neutral and polar, at codon 249 of the SLC34A1 protein (p.Arg249Gln).